The following is an entry in ClinVar:

NM_013447.4(ADGRE2):c.2202G>A (p.Ala734=)

Gene: ADGRE2 (adhesion G protein-coupled receptor E2; minus strand). Cytogenetic location: 19p13.12.
Variant type: single nucleotide variant.
Coding change: c.2202G>A on transcript NM_013447.4 (MANE Select); coding-DNA position 2202, G replaced by A.
Protein change: p.Ala734=; no amino-acid change (alanine 734 retained).
Molecular consequence: synonymous variant.
Genome position (GRCh38, 1-based): chr19:14,743,766, C>T on the plus strand (G>A on the coding strand, the complement: ADGRE2 is on the minus strand). VCF-style: chr19-14743766-C-T. GRCh37 (hg19) VCF-style: chr19-14854578-C-T.
Other names: c.2028G>A, p.Ala676= (NM_001271052.1); c.2055G>A, p.Ala685= (NM_152916.2); c.1923G>A, p.Ala641= (NM_152917.2); c.2202G>A (NM_013447.3).
Identifiers: ClinVar variation 2077274 (VCV002077274.7), dbSNP rs200359297, ClinGen allele CA9257439.
Genomic context (GRCh38, chr19:14,743,766, plus strand): 5'-CGGACCCACCTGCAAGATGCCCAGACACCACGTGCAGCCCAGGATGAACAGCTGAGCTGT[C>T]GCTTTAAATGCCAGCATCCTGGATTGAGTAAGAAAGGAGGCTGGTGATGCACCCAGAGAA-3'
Protein context (NP_038475.2, residues 724-744): LRNTRMLAFK[Ala734=]TAQLFILGCT

ClinVar aggregate classification (germline): Likely benign. Review status: criteria provided, multiple submitters, no conflicts (2 of 4 stars). 3 submissions from 3 submitters: Likely benign (2). 1 of the submissions does not count toward it. Last evaluated 2025-11-03.

Conditions:
ADGRE2-related disorder. Also called: ADGRE2-related condition.

Allele frequency attached by ClinVar (database versions not stated): ESP Exome Variant Server 0.00008; ExAC 0.00012; TOPMed 0.00019; gnomAD 0.00020; 1000 Genomes Project 0.00040; 1000 Genomes Project 30x 0.00047.
gnomAD v4.1: 304 of 1,614,126 alleles (0.019%); highest among the groups gnomAD compares: Middle Eastern, 0.033%; no homozygotes.

Submissions (3):

Labcorp Genetics (formerly Invitae), Labcorp
Classification: Likely benign. Last evaluated: 2025-11-03. Review status: criteria provided, single submitter. Criteria: Invitae Variant Classification Sherloc (09022015). Collection method: clinical testing. Allele origin: germline.

Blueprint Genetics
Classification: Likely benign. Last evaluated: 2024-07-15. Review status: criteria provided, single submitter. Criteria: ACMG Guidelines, 2015. Collection method: clinical testing. Allele origin: germline.

PreventionGenetics, part of Exact Sciences
Classification: Likely benign for ADGRE2-related condition. Last evaluated: 2019-06-25. Review status: no assertion criteria provided. Collection method: clinical testing. Allele origin: germline. Not counted in ClinVar's aggregate classification.
Comment: This variant is classified as likely benign based on ACMG/AMP sequence variant interpretation guidelines (Richards et al. 2015 PMID: 25741868, with internal and published modifications).